The following is an entry in ClinVar:

NM_006302.3(MOGS):c.1489C>T (p.Arg497Trp)

Gene: MOGS (mannosyl-oligosaccharide glucosidase; minus strand). Cytogenetic location: 2p13.1.
Variant type: single nucleotide variant.
Coding change: c.1489C>T on transcript NM_006302.3 (MANE Select); coding-DNA position 1489, C replaced by T.
Protein change: p.Arg497Trp; replaces arginine 497 with tryptophan.
Molecular consequence: missense variant.
Genome position (GRCh38, 1-based): chr2:74,462,300, G>A on the plus strand (C>T on the coding strand, the complement: MOGS is on the minus strand). VCF-style: chr2-74462300-G-A. GRCh37 (hg19) VCF-style: chr2-74689427-G-A.
Other names: c.1489C>T (NM_006302.2); c.1171C>T, p.Arg391Trp (NM_001146158.2); short protein forms R391W, R497W.
Identifiers: ClinVar variation 1469752 (VCV001469752.9), dbSNP rs1213805068, ClinGen allele CA347372184.
Genomic context (GRCh38, chr2:74,462,300, plus strand): 5'-AAAGTAGGGTTGGGGGGTTGGCGTGGACTGCTCGTTGTACTAGGAATTCTGGAGGCACCC[G>A]GGCTCGGGCCTCATCCCCCAGTATCTGCTCCCTCCCAATCCAGCCATCAGCATTTAGCAG-3'
Protein context (NP_006293.2, residues 487-507): EQILGDEARA[Arg497Trp]VPPEFLVQRA

ClinVar aggregate classification (germline): Uncertain significance. Review status: criteria provided, multiple submitters, no conflicts (2 of 4 stars). 2 submissions from 2 submitters: Uncertain significance (2). Last evaluated 2025-08-02.

Conditions:
Inborn genetic diseases. Identifiers: MedGen C0950123, MeSH D030342.
MOGS-congenital disorder of glycosylation. Also called: CDG 2B; CDG IIb; GLUCOSIDASE I DEFICIENCY; MOGS-CDG. Identifiers: Orphanet 79330, MedGen C1853736, MONDO:0011629, OMIM 606056.

Allele frequency attached by ClinVar (database versions not stated): gnomAD exomes 0.00001; TOPMed 0.00001.
gnomAD v4.1: 24 of 1,613,804 alleles (0.0015%); highest among the groups gnomAD compares: South Asian, 0.0022%; no homozygotes.

Submissions (2):

Ambry Genetics
Classification: Uncertain significance for Inborn genetic diseases. Last evaluated: 2025-08-02. Review status: criteria provided, single submitter. Criteria: Ambry Variant Classification Scheme 2023. Collection method: clinical testing. Allele origin: germline.

Labcorp Genetics (formerly Invitae), Labcorp
Classification: Uncertain significance for MOGS-congenital disorder of glycosylation. Last evaluated: 2022-05-04. Review status: criteria provided, single submitter. Criteria: Invitae Variant Classification Sherloc (09022015). Collection method: clinical testing. Allele origin: germline.
Comment: Algorithms developed to predict the effect of missense changes on protein structure and function (SIFT, PolyPhen-2, Align-GVGD) all suggest that this variant is likely to be disruptive. This variant has not been reported in the literature in individuals affected with MOGS-related conditions. In summary, the available evidence is currently insufficient to determine the role of this variant in disease. Therefore, it has been classified as a Variant of Uncertain Significance. This variant is present in population databases (no rsID available, gnomAD 0.002%). This sequence change replaces arginine, which is basic and polar, with tryptophan, which is neutral and slightly polar, at codon 497 of the MOGS protein (p.Arg497Trp).